The following is an entry in ClinVar:

NM_001165963.4(SCN1A):c.3827A>T (p.Tyr1276Phe)

Genes: SCN1A (sodium voltage-gated channel alpha subunit 1; minus strand), LOC102724058 (uncharacterized LOC102724058; plus strand). Cytogenetic location: 2q24.3.
Variant type: single nucleotide variant.
Coding change: c.3827A>T on transcript NM_001165963.4 (MANE Select); coding-DNA position 3827, A replaced by T.
Protein change: p.Tyr1276Phe; replaces tyrosine 1276 with phenylalanine.
Molecular consequence: missense variant. On other transcripts: non-coding transcript variant (1).
Genome position (GRCh38, 1-based): chr2:166,012,161, T>A on the plus strand (A>T on the coding strand, the complement: SCN1A is on the minus strand). VCF-style: chr2-166012161-T-A. GRCh37 (hg19) VCF-style: chr2-166868671-T-A.
Other names: c.3743A>T, p.Tyr1248Phe (NM_001165964.3, NM_001353957.2, NM_001353958.2); c.3827A>T, p.Tyr1276Phe (NM_001202435.3, NM_001353948.2); c.3794A>T, p.Tyr1265Phe (NM_001353949.2, NM_001353950.2, NM_001353951.2 and 2 more transcripts); c.3791A>T, p.Tyr1264Phe (NM_001353954.2, NM_001353955.2); c.3740A>T, p.Tyr1247Phe (NM_001353960.2); c.1385A>T, p.Tyr462Phe (NM_001353961.2); short protein forms Y1248F, Y1265F, Y1247F, Y1264F, Y1276F, Y462F.
Identifiers: ClinVar variation 852276 (VCV000852276.13), dbSNP rs1692552933, ClinGen allele CA349054146.
Genomic context (GRCh38, chr2:166,012,161, plus strand): 5'-ATACCTACATCAACAATTAAGAAGTCCAGCCAACACCAGGCATTGGTGAAATATGTTTGA[T>A]AGCCATATGCCACCCATTTTAGAAGCATTTCCAGAATGAAAATGTAAGTGAAAACCTTGT-3'
Protein context (NP_001159435.1, residues 1266-1286): EMLLKWVAYG[Tyr1276Phe]QTYFTNAWCW

ClinVar aggregate classification (germline): Uncertain significance. Review status: criteria provided, multiple submitters, no conflicts (2 of 4 stars). 2 submissions from 2 submitters: Uncertain significance (2). Last evaluated 2025-10-07.

Conditions:
Early-infantile DEE. Also called: Ohtahara syndrome; Early infantile epileptic encephalopathy with suppression bursts; Early infantile epileptic encephalopathy. Identifiers: Orphanet 1934, MedGen C0393706, MONDO:0800491.
Inborn genetic diseases. Identifiers: MedGen C0950123, MeSH D030342.

Allele frequency attached by ClinVar (database versions not stated): gnomAD exomes 0.00001.
gnomAD v4.1: 10 of 1,610,496 alleles (0.00062%); highest among the groups gnomAD compares: Non-Finnish European, 0.00085%; no homozygotes.

Submissions (2):

Ambry Genetics
Classification: Uncertain significance for Inborn genetic diseases. Last evaluated: 2025-10-07. Review status: criteria provided, single submitter. Criteria: Ambry Variant Classification Scheme 2023. Collection method: clinical testing. Allele origin: germline.

Labcorp Genetics (formerly Invitae), Labcorp
Classification: Uncertain significance for Early-infantile DEE. Last evaluated: 2024-03-11. Review status: criteria provided, single submitter. Criteria: Invitae Variant Classification Sherloc (09022015). Collection method: clinical testing. Allele origin: germline.
Comment: This sequence change replaces tyrosine, which is neutral and polar, with phenylalanine, which is neutral and non-polar, at codon 1276 of the SCN1A protein (p.Tyr1276Phe). This variant is not present in population databases (gnomAD no frequency). This variant has not been reported in the literature in individuals affected with SCN1A-related conditions. ClinVar contains an entry for this variant (Variation ID: 852276). Advanced modeling of protein sequence and biophysical properties (such as structural, functional, and spatial information, amino acid conservation, physicochemical variation, residue mobility, and thermodynamic stability) performed at Invitae indicates that this missense variant is not expected to disrupt SCN1A protein function with a negative predictive value of 95%. In summary, the available evidence is currently insufficient to determine the role of this variant in disease. Therefore, it has been classified as a Variant of Uncertain Significance.